The following is an entry in ClinVar:

NM_001098426.2(SMARCD2):c.1069C>T (p.Arg357Cys)

Gene: SMARCD2 (SWI/SNF related BAF chromatin remodeling complex subunit D2; minus strand). Cytogenetic location: 17q23.3.
Variant type: single nucleotide variant.
Coding change: c.1069C>T on transcript NM_001098426.2 (MANE Select); coding-DNA position 1069, C replaced by T.
Protein change: p.Arg357Cys; replaces arginine 357 with cysteine.
Molecular consequence: missense variant.
Genome position (GRCh38, 1-based): chr17:63,834,181, G>A on the plus strand (C>T on the coding strand, the complement: SMARCD2 is on the minus strand). VCF-style: chr17-63834181-G-A. GRCh37 (hg19) VCF-style: chr17-61911541-G-A.
Other names: c.844C>T, p.Arg282Cys (NM_001330439.1); c.925C>T, p.Arg309Cys (NM_001330440.2); short protein forms R357C, R282C, R309C.
Identifiers: ClinVar variation 1416203 (VCV001416203.5), dbSNP rs772198549, ClinGen allele CA8706330.

ClinVar aggregate classification (germline): Uncertain significance (1 of 4 stars; one submission).

Allele frequency attached by ClinVar (database versions not stated): ExAC 0.00001; gnomAD exomes 0.00001 and 0.00002; TOPMed 0.00002; gnomAD 0.00004.

Submission:

Labcorp Genetics (formerly Invitae), Labcorp
Classification: Uncertain significance. Last evaluated: 2022-09-19. Review status: criteria provided, single submitter. Criteria: Invitae Variant Classification Sherloc (09022015). Collection method: clinical testing. Allele origin: germline.
Comment: This sequence change replaces arginine, which is basic and polar, with cysteine, which is neutral and slightly polar, at codon 357 of the SMARCD2 protein (p.Arg357Cys). The frequency data for this variant in the population databases is considered unreliable, as metrics indicate poor data quality at this position in the gnomAD database. This variant has not been reported in the literature in individuals affected with SMARCD2-related conditions. ClinVar contains an entry for this variant (Variation ID: 1416203). Advanced modeling of protein sequence and biophysical properties (such as structural, functional, and spatial information, amino acid conservation, physicochemical variation, residue mobility, and thermodynamic stability) performed at Invitae indicates that this missense variant is not expected to disrupt SMARCD2 protein function. In summary, the available evidence is currently insufficient to determine the role of this variant in disease. Therefore, it has been classified as a Variant of Uncertain Significance.